The following is an entry in ClinVar:

NM_002454.3(MTRR):c.1676+2T>C

Gene: MTRR (5-methyltetrahydrofolate-homocysteine methyltransferase reductase; plus strand). Cytogenetic location: 5p15.31.
Variant type: single nucleotide variant.
Coding change: c.1676+2T>C on transcript NM_002454.3 (MANE Select); the canonical splice donor site of the intron after coding-DNA position 1676, T replaced by C.
Molecular consequence: splice donor variant.
Genome position (GRCh38, 1-based): chr5:7,895,854, T>C. VCF-style: chr5-7895854-T-C. GRCh37 (hg19) VCF-style: chr5-7895967-T-C.
Other names: NC_000005.9:g.7895967T>C; c.1676+2T>C (NM_002454.2, NM_001364440.2, NM_001364441.2 and 2 more transcripts).
Identifiers: ClinVar variation 2441590 (VCV002441590.6), dbSNP rs2126808287, ClinGen allele CA359159421.

ClinVar aggregate classification (germline): Likely pathogenic. Review status: criteria provided, multiple submitters, no conflicts (2 of 4 stars). 3 submissions from 3 submitters: Likely pathogenic (3). Last evaluated 2026-07-12.

Conditions:
Methylcobalamin deficiency type cblE (HMAE). Also called: VITAMIN B12-RESPONSIVE HOMOCYSTINURIA, cblE TYPE; HOMOCYSTINURIA-MEGALOBLASTIC ANEMIA, cblE COMPLEMENTATION TYPE; HOMOCYSTINURIA-MEGALOBLASTIC ANEMIA, cblE TYPE. Identifiers: Orphanet 2169, Orphanet 622, MedGen C1856057, MONDO:0009354, OMIM 236270.
MTRR-related disorder. Also called: MTRR-related condition.
Neural tube defects, folate-sensitive (NTDFS). Also called: NTD, FOLATE-SENSITIVE. Identifiers: Orphanet 823, MedGen C1866558, MONDO:0011120, OMIM 601634.

Allele frequency attached by ClinVar (database versions not stated): gnomAD exomes 0.00001.
gnomAD v4.1: 4 of 1,614,040 alleles (0.00025%); highest among the groups gnomAD compares: Middle Eastern, 0.066%; no homozygotes.

Submissions (4):

PreventionGenetics, part of Exact Sciences
Classification: Likely pathogenic for MTRR-related condition. Last evaluated: 2026-07-12. Review status: criteria provided, single submitter. Criteria: ACMG Guidelines, 2015. Collection method: clinical testing. Allele origin: germline.
Comment: The MTRR c.1676+2T>C variant is predicted to disrupt the GT donor site and interfere with normal splicing. This variant has not been reported in a large population database (gnomAD), indicating this variant is rare. Variants that disrupt the consensus splice donor site in MTRR are expected to be pathogenic. This variant is interpreted as likely pathogenic.

Baylor Genetics
Classification: Likely pathogenic for Neural tube defects, folate-sensitive. Last evaluated: 2024-02-14. Review status: criteria provided, single submitter. Criteria: ACMG Guidelines, 2015. Collection method: clinical testing. Allele origin: unknown.

Revvity Omics, Revvity
Classification: Likely pathogenic for Methylcobalamin deficiency type cblE. Last evaluated: 2022-03-24. Review status: criteria provided, single submitter. Criteria: ACMG Guidelines, 2015. Collection method: clinical testing. Allele origin: germline.

Dr. Peter K. Rogan Lab, Western University
No classification provided (evidence only). Condition: Colon adenocarcinoma. Review status: no classification provided. Collection method: in vitro. Allele origin: not applicable. Functional consequence: skipped exon. Not counted in ClinVar's aggregate classification.